The following is an entry in ClinVar:

NM_025150.5(TARS2):c.1176C>T (p.Asp392=)

Gene: TARS2 (threonyl-tRNA synthetase 2, mitochondrial; plus strand). Cytogenetic location: 1q21.2.
Variant type: single nucleotide variant.
Coding change: c.1176C>T on transcript NM_025150.5 (MANE Select); coding-DNA position 1176, C replaced by T.
Protein change: p.Asp392=; no amino-acid change (aspartic acid 392 retained).
Molecular consequence: synonymous variant. On other transcripts: non-coding transcript variant (2).
Genome position (GRCh38, 1-based): chr1:150,497,685, C>T. VCF-style: chr1-150497685-C-T. GRCh37 (hg19) VCF-style: chr1-150470161-C-T.
Other names: c.930C>T, p.Asp310= (NM_001271895.2); c.786C>T, p.Asp262= (NM_001271896.2).
Identifiers: ClinVar variation 3051461 (VCV003051461.2), dbSNP rs374221932, ClinGen allele CA1076931.

ClinVar aggregate classification (germline): Likely benign (0 of 4 stars; one submission).

Conditions:
TARS2-related disorder. Also called: TARS2-related condition.

Allele frequency attached by ClinVar (database versions not stated): gnomAD 0.00001; TOPMed 0.00001; ExAC 0.00002; gnomAD exomes 0.00003; ESP Exome Variant Server 0.00008.
gnomAD v4.1: 44 of 1,614,036 alleles (0.0027%); highest among the groups gnomAD compares: Non-Finnish European, 0.0036%; no homozygotes.

Submission:

PreventionGenetics, part of Exact Sciences
Classification: Likely benign for TARS2-related condition. Last evaluated: 2020-02-05. Review status: no assertion criteria provided. Collection method: clinical testing. Allele origin: germline.
Comment: This variant is classified as likely benign based on ACMG/AMP sequence variant interpretation guidelines (Richards et al. 2015 PMID: 25741868, with internal and published modifications).